The following is an entry in ClinVar:

NM_016507.4(CDK12):c.3602G>A (p.Ser1201Asn)

Gene: CDK12 (cyclin dependent kinase 12; plus strand). Cytogenetic location: 17q12.
Variant type: single nucleotide variant.
Coding change: c.3602G>A on transcript NM_016507.4 (MANE Select); coding-DNA position 3602, G replaced by A.
Protein change: p.Ser1201Asn; replaces serine 1201 with asparagine.
Molecular consequence: missense variant.
Genome position (GRCh38, 1-based): chr17:39,526,158, G>A. VCF-style: chr17-39526158-G-A. GRCh37 (hg19) VCF-style: chr17-37682411-G-A.
Other names: c.3602G>A, p.Ser1201Asn (NM_015083.4); short protein forms S1201N.
Identifiers: ClinVar variation 4841671 (VCV004841671.1).

ClinVar aggregate classification (germline): Uncertain significance (1 of 4 stars; one submission).

Submission:

Ambry Genetics
Classification: Uncertain significance. Last evaluated: 2025-12-18. Review status: criteria provided, single submitter. Criteria: Ambry Variant Classification Scheme 2023. Collection method: clinical testing. Allele origin: germline.
Comment: The p.S1201N variant (also known as c.3602G>A), located in coding exon 13 of the CDK12 gene, results from a G to A substitution at nucleotide position 3602. The serine at codon 1201 is replaced by asparagine, an amino acid with highly similar properties. This amino acid position is conserved. In addition, this alteration is predicted to be tolerated by in silico analysis. Based on the available evidence, the clinical significance of this variant remains unclear.